The following is an entry in ClinVar:

ClinVar aggregate classification (germline): Uncertain significance. Review status: criteria provided, multiple submitters, no conflicts (2 of 4 stars). 2 submissions from 2 submitters: Uncertain significance (2). Last evaluated 2026-01-02.

Conditions:
Inborn genetic diseases. Identifiers: MedGen C0950123, MeSH D030342.
Charcot-Marie-Tooth disease, type I (CMT1). Also called: Charcot-Marie-Tooth, Type 1; Charcot-Marie-Tooth disease type 1. Identifiers: Orphanet 65753, MedGen C0751036, MONDO:0019011.

Allele frequency attached by ClinVar (database versions not stated): gnomAD exomes below 0.00001; TOPMed below 0.00001.
gnomAD v4.1: 18 of 1,614,048 alleles (0.0011%); highest among the groups gnomAD compares: Non-Finnish European, 0.0014%; no homozygotes.

Submissions (2):

Labcorp Genetics (formerly Invitae), Labcorp
Classification: Uncertain significance for Charcot-Marie-Tooth disease, type I. Last evaluated: 2026-01-02. Review status: criteria provided, single submitter. Criteria: Invitae Variant Classification Sherloc (09022015). Collection method: clinical testing. Allele origin: germline.
Comment: This sequence change replaces methionine, which is neutral and non-polar, with valine, which is neutral and non-polar, at codon 64 of the EGR2 protein (p.Met64Val). This variant is present in population databases (no rsID available, gnomAD 0.01%). This variant has not been reported in the literature in individuals affected with EGR2-related conditions. ClinVar contains an entry for this variant (Variation ID: 1496945). Invitae Evidence Modeling of protein sequence and biophysical properties (such as structural, functional, and spatial information, amino acid conservation, physicochemical variation, residue mobility, and thermodynamic stability) indicates that this missense variant is not expected to disrupt EGR2 protein function with a negative predictive value of 80%. In summary, the available evidence is currently insufficient to determine the role of this variant in disease. Therefore, it has been classified as a Variant of Uncertain Significance.

Ambry Genetics
Classification: Uncertain significance for Inborn genetic diseases. Last evaluated: 2023-04-04. Review status: criteria provided, single submitter. Criteria: Ambry Variant Classification Scheme 2023. Collection method: clinical testing. Allele origin: germline.
Comment: The c.190A>G (p.M64V) alteration is located in exon 2 (coding exon 2) of the EGR2 gene. This alteration results from an A to G substitution at nucleotide position 190, causing the methionine (M) at amino acid position 64 to be replaced by a valine (V). Based on data from gnomAD, the G allele has an overall frequency of <0.001% (1/251466) total alleles studied. The highest observed frequency was 0.010% (1/10080) of Ashkenazi Jewish alleles. This amino acid position is not well conserved in available vertebrate species. This alteration is predicted to be tolerated by in silico analysis. Based on insufficient or conflicting evidence, the clinical significance of this alteration remains unclear.

NM_000399.5(EGR2):c.190A>G (p.Met64Val)

Gene: EGR2 (early growth response 2; minus strand). Cytogenetic location: 10q21.3.
Variant type: single nucleotide variant.
Coding change: c.190A>G on transcript NM_000399.5 (MANE Select); coding-DNA position 190, A replaced by G.
Protein change: p.Met64Val; replaces methionine 64 with valine.
Molecular consequence: missense variant.
Genome position (GRCh38, 1-based): chr10:62,814,448, T>C on the plus strand (A>G on the coding strand, the complement: EGR2 is on the minus strand). VCF-style: chr10-62814448-T-C. GRCh37 (hg19) VCF-style: chr10-64574208-T-C.
Other names: c.190A>G, p.Met64Val (NM_001136177.3, NM_001136178.2); c.40A>G, p.Met14Val (NM_001136179.3, NM_001321037.2); c.190A>G (NM_000399.3); short protein forms M14V, M64V.
Identifiers: ClinVar variation 1496945 (VCV001496945.8), dbSNP rs1035411608, ClinGen allele CA208352245.